The following is an entry in ClinVar:

NM_014675.5(CROCC):c.538-4C>A

Gene: CROCC (ciliary rootlet coiled-coil, rootletin; plus strand). Cytogenetic location: 1p36.13.
Variant type: single nucleotide variant.
Coding change: c.538-4C>A on transcript NM_014675.5 (MANE Select); 4 bases into the intron before coding-DNA position 538, C replaced by A.
Molecular consequence: intron variant.
Genome position (GRCh38, 1-based): chr1:16,930,120, C>A. VCF-style: chr1-16930120-C-A. GRCh37 (hg19) VCF-style: chr1-17256615-C-A.
Identifiers: ClinVar variation 2638365 (VCV002638365.24), dbSNP rs373961830, ClinGen allele CA634057.
Genomic context (GRCh38, chr1:16,930,120, plus strand): 5'-CTCCCACCTGTTCACTTTGCCCCGCCCCAACCCCTGGGGCTCACCATCAGCTCCCCATCC[C>A]CAGATTCTCCAGTACAAGAAGAGGTGCTCGGAGCTGGAGCAGCAGCTGCTGGAGAGATCC-3'

ClinVar aggregate classification (germline): Benign (1 of 4 stars; one submission).

Allele frequency attached by ClinVar (database versions not stated): 1000 Genomes Project 30x 0.00016; 1000 Genomes Project 0.00020; ESP Exome Variant Server 0.00092; gnomAD 0.00208; ExAC 0.00357.
gnomAD v4.1: 3,993 of 1,589,198 alleles (0.25%); highest among the groups gnomAD compares: Non-Finnish European, 0.26%; 7 homozygotes.

Submission:

CeGaT Center for Human Genetics Tuebingen
Classification: Benign. Last evaluated: 2022-10-01. Review status: criteria provided, single submitter. Criteria: CeGaT Center For Human Genetics Tuebingen Variant Classification Criteria Version 2. Collection method: clinical testing. Allele origin: germline. Affected: yes. Observed: 1 variant allele.
Comment: CROCC: BP4, BS1, BS2